The following is an entry in ClinVar:

ClinVar aggregate classification (germline): Pathogenic (1 of 4 stars; one submission).

Conditions:
Familial adenomatous polyposis 1 (FAP1). Also called: FAMILIAL ADENOMATOUS POLYPOSIS 1, ATTENUATED; POLYPOSIS, ADENOMATOUS INTESTINAL. Identifiers: MedGen C2713442, MONDO:0021056, OMIM 175100. Disease mechanism: loss of function.

Submission:

Myriad Genetics, Inc.
Classification: Pathogenic for Familial adenomatous polyposis 1. Last evaluated: 2023-05-04. Review status: criteria provided, single submitter. Criteria: Myriad Autosomal Dominant, Autosomal Recessive and X-Linked Classification Criteria (2023). Collection method: clinical testing. Allele origin: unknown.
Comment: This variant is considered pathogenic. This variant creates a frameshift predicted to result in premature protein truncation.

NM_000038.6(APC):c.2237del (p.Gly746fs)

Gene: APC (APC regulator of Wnt signaling pathway; plus strand). Cytogenetic location: 5q22.2.
Variant type: Deletion.
Coding change: c.2237del on transcript NM_000038.6 (MANE Select); coding-DNA position 2237, one base deleted (G; older notation c.2237delG).
Protein change: p.Gly746fs; shifts the reading frame from glycine 746.
Molecular consequence: frameshift variant. On other transcripts: non-coding transcript variant (2).
Genome position (GRCh38, 1-based): chr5:112,837,831, G deleted; the last of 2 consecutive G bases (chr5:112,837,830-112,837,831); deleting either gives the same sequence. VCF-style (leftmost placement, unchanged base first): chr5-112837829-TG-T. GRCh37 (hg19) VCF-style: chr5-112173526-TG-T.
Other names: c.2237del, p.Gly746fs (NM_001127510.3, NM_001354895.2, NM_001407450.1); c.2183del, p.Gly728fs (NM_001127511.3); c.2291del, p.Gly764fs (NM_001354896.2, NM_001407447.1, NM_001407448.1 and 1 more transcripts); c.2267del, p.Gly756fs (NM_001354897.2); c.2162del, p.Gly721fs (NM_001354898.2); c.2153del, p.Gly718fs (NM_001354899.2); c.2114del, p.Gly705fs (NM_001354900.2); c.2060del, p.Gly687fs (NM_001354901.2, NM_001407453.1); and 11 more; short protein forms G362fs, G463fs, G586fs, G617fs, G620fs, G645fs, G655fs, G663fs.
Identifiers: ClinVar variation 2584089 (VCV002584089.2), dbSNP rs2533406622, ClinGen allele CA2582341441.
Genomic context (GRCh38, chr5:112,837,829, plus strand): 5'-TTTAAGGAATCTCATGGCAAATAGGCCTGCGAAGTACAAGGATGCCAATATTATGTCTCC[TG>T]GCTCAAGCTTGCCATCTCTTCATGTTAGGAAACAAAAAGCCCTAGAAGCAGAATTAGATG-3'